The following is an entry in ClinVar:

NM_004304.5(ALK):c.3608A>C (p.Asp1203Ala)

Gene: ALK (ALK receptor tyrosine kinase; minus strand). Cytogenetic location: 2p23.2.
Variant type: single nucleotide variant.
Coding change: c.3608A>C on transcript NM_004304.5 (MANE Select); coding-DNA position 3608, A replaced by C.
Protein change: p.Asp1203Ala; replaces aspartic acid 1203 with alanine.
Molecular consequence: missense variant.
Genome position (GRCh38, 1-based): chr2:29,220,743, T>G on the plus strand (A>C on the coding strand, the complement: ALK is on the minus strand). VCF-style: chr2-29220743-T-G. GRCh37 (hg19) VCF-style: chr2-29443609-T-G.
Other names: c.404A>C, p.Asp135Ala (NM_001353765.2); c.3608A>C (NM_004304.4); short protein forms D1203A, D135A.
Identifiers: ClinVar variation 1713795 (VCV001713795.6), dbSNP rs2148166413, ClinGen allele CA346473019.
Genomic context (GRCh38, chr2:29,220,743, plus strand): 5'-AGCAAAGACTGGTTCTCACTCACCGGGCGAGGGCGGGTCTCTCGGAGGAAGGACTTGAGG[T>G]CTCCCCCCGCCATGAGCTCCAGCAGGATGAACCGGGGCAGGGATTGCAGGCTCACCCCAA-3'
Protein context (NP_004295.2, residues 1193-1213): FILLELMAGG[Asp1203Ala]LKSFLRETRP

ClinVar aggregate classification (germline): Uncertain significance. Review status: criteria provided, multiple submitters, no conflicts (2 of 4 stars). 2 submissions from 2 submitters: Uncertain significance (2). Last evaluated 2025-03-13.

Conditions:
Neuroblastoma, susceptibility to, 3. Also called: ALK-Related Neuroblastic Tumor Susceptibility. Identifiers: Orphanet 635, MedGen C2751681, MONDO:0013083, OMIM 613014.
Hereditary cancer-predisposing syndrome. Also called: Hereditary neoplastic syndrome; Tumor predisposition; Neoplastic Syndromes, Hereditary; Hereditary Cancer Syndrome. Identifiers: Orphanet 140162, MedGen C0027672, MeSH D009386, MONDO:0015356.

Submissions (2):

Ambry Genetics
Classification: Uncertain significance for Hereditary cancer-predisposing syndrome. Last evaluated: 2025-03-13. Review status: criteria provided, single submitter. Criteria: Ambry Variant Classification Scheme 2023. Collection method: clinical testing. Allele origin: germline.
Comment: The p.D1203A variant (also known as c.3608A>C), located in coding exon 23 of the ALK gene, results from an A to C substitution at nucleotide position 3608. The aspartic acid at codon 1203 is replaced by alanine, an amino acid with dissimilar properties. This amino acid position is highly conserved in available vertebrate species. In addition, this alteration is predicted to be deleterious by in silico analysis. Based on the available evidence, the clinical significance of this variant remains unclear.

Labcorp Genetics (formerly Invitae), Labcorp
Classification: Uncertain significance for Neuroblastoma, susceptibility to, 3. Last evaluated: 2022-09-15. Review status: criteria provided, single submitter. Criteria: Invitae Variant Classification Sherloc (09022015). Collection method: clinical testing. Allele origin: germline.
Comment: This variant has not been reported in the literature in individuals affected with ALK-related conditions. Algorithms developed to predict the effect of missense changes on protein structure and function are either unavailable or do not agree on the potential impact of this missense change (SIFT: "Deleterious"; PolyPhen-2: "Possibly Damaging"; Align-GVGD: "Class C0"). In summary, the available evidence is currently insufficient to determine the role of this variant in disease. Therefore, it has been classified as a Variant of Uncertain Significance. This variant is not present in population databases (gnomAD no frequency). This sequence change replaces aspartic acid, which is acidic and polar, with alanine, which is neutral and non-polar, at codon 1203 of the ALK protein (p.Asp1203Ala).